The following is an entry in ClinVar:

ClinVar aggregate classification (germline): Likely benign (1 of 4 stars; one submission).

Allele frequency attached by ClinVar (database versions not stated): ExAC 0.00001.

Submission:

CeGaT Center for Human Genetics Tuebingen
Classification: Likely benign. Last evaluated: 2022-03-01. Review status: criteria provided, single submitter. Criteria: CeGaT Center For Human Genetics Tuebingen Variant Classification Criteria Version 2. Collection method: clinical testing. Allele origin: germline. Affected: yes. Observed: 1 variant allele.
Comment: NR0B1: BP4, BP7

NM_000475.5(NR0B1):c.1032A>C (p.Ala344=)

Gene: NR0B1 (nuclear receptor subfamily 0 group B member 1; minus strand). Cytogenetic location: Xp21.2.
Variant type: single nucleotide variant.
Coding change: c.1032A>C on transcript NM_000475.5 (MANE Select); coding-DNA position 1032, A replaced by C.
Protein change: p.Ala344=; no amino-acid change (alanine 344 retained).
Molecular consequence: synonymous variant.
Genome position (GRCh38, 1-based): chrX:30,308,332, T>G on the plus strand (A>C on the coding strand, the complement: NR0B1 is on the minus strand). VCF-style: chrX-30308332-T-G. GRCh37 (hg19) VCF-style: chrX-30326449-T-G.
Identifiers: ClinVar variation 2660230 (VCV002660230.24), dbSNP rs773382021, ClinGen allele CA10376319.
Genomic context (GRCh38, chrX:30,308,332, plus strand): 5'-AAAGCACTTGATGGCTTGGACCTGGGAGGCGGAGGGCACCTTCCTGGCCTCCGCCGGCGG[T>G]GCCAAATGGTGCTGCAGCGTGGGCACGGGCAGTGGCTCGTTGCCCCCGGTCTCCCGCCGC-3'
Protein context (NP_000466.2, residues 334-354): LPVPTLQHHL[Ala344=]PPAEARKVPS